The following is an entry in ClinVar:

NM_001080442.3(SLC38A8):c.929A>C (p.Tyr310Ser)

Gene: SLC38A8 (solute carrier family 38 member 8; minus strand). Cytogenetic location: 16q23.3.
Variant type: single nucleotide variant.
Coding change: c.929A>C on transcript NM_001080442.3 (MANE Select); coding-DNA position 929, A replaced by C.
Protein change: p.Tyr310Ser; replaces tyrosine 310 with serine.
Molecular consequence: missense variant.
Genome position (GRCh38, 1-based): chr16:84,017,164, T>G on the plus strand (A>C on the coding strand, the complement: SLC38A8 is on the minus strand). VCF-style: chr16-84017164-T-G. GRCh37 (hg19) VCF-style: chr16-84050769-T-G.
Other names: short protein forms Y310S.
Identifiers: ClinVar variation 3356133 (VCV003356133.1).
Genomic context (GRCh38, chr16:84,017,164, plus strand): 5'-ATGCTTCACGGTGCCCCCCACTGAGCCAGGCCTCACCTCCCCAGGAAGAGCACGATGGGG[T>G]AGACAGTTACGATGGAGACAGCAAAAAGGACCCGGGCCACAATGATGACCATATCATTGC-3'
Protein context (NP_001073911.1, residues 300-320): VLFAVSIVTV[Tyr310Ser]PIVLFLGRSV

ClinVar aggregate classification (germline): Uncertain significance (0 of 4 stars; one submission).

Conditions:
SLC38A8-related disorder. Also called: SLC38A8-related condition.

gnomAD v4.1: 8 of 1,613,704 alleles (0.0005%); highest among the groups gnomAD compares: East Asian, 0.0089%; no homozygotes.

Submission:

PreventionGenetics, part of Exact Sciences
Classification: Uncertain significance for SLC38A8-related condition. Last evaluated: 2024-09-04. Review status: no assertion criteria provided. Collection method: clinical testing. Allele origin: germline.
Comment: The SLC38A8 c.929A>C variant is predicted to result in the amino acid substitution p.Tyr310Ser. To our knowledge, this variant has not been reported in the literature. This variant is reported in 0.011% of alleles in individuals of East Asian descent in gnomAD. At this time, the clinical significance of this variant is uncertain due to the absence of conclusive functional and genetic evidence.